The following is an entry in ClinVar:

ClinVar aggregate classification (germline): Conflicting classifications of pathogenicity. Review status: criteria provided, conflicting classifications (1 of 4 stars). 2 submissions from 2 submitters: Uncertain significance (1); Likely benign (1). Last evaluated 2025-12-22.

Conditions:
Melnick-Needles syndrome (MNS). Also called: Melnick-Needles Syndrome (FLNA-MNS); OSTEODYSPLASTY OF MELNICK AND NEEDLES; MELNICK-NEEDLES OSTEODYSPLASTY. Identifiers: Orphanet 2484, MedGen C0025237, MONDO:0010650, OMIM 309350.
Heterotopia, periventricular, X-linked dominant (PVNH1). Also called: PERIVENTRICULAR NODULAR HETEROTOPIA 4; HETEROTOPIA, PERIVENTRICULAR, 1; PERIVENTRICULAR NODULAR HETEROTOPIA 1; X-linked periventricular heterotopia. Identifiers: Orphanet 2149, Orphanet 82004, MedGen C1848213, MONDO:0010233, OMIM 300049.
Oto-palato-digital syndrome, type II (OPD2). Also called: Otopalatodigital Syndrome Type 2 (FLNA-OPD2); OPD II SYNDROME; FACIOPALATOOSSEOUS SYNDROME; Otopalatodigital Syndrome, Type II. Identifiers: Orphanet 669, Orphanet 90652, MedGen C1844696, MONDO:0010571, OMIM 304120.
Frontometaphyseal dysplasia (FMD1). Identifiers: Orphanet 1826, MedGen C0265293, MONDO:0015942.

Allele frequency attached by ClinVar (database versions not stated): gnomAD exomes 0.00001 and 0.00002; ExAC 0.00002; gnomAD 0.00002.
gnomAD v4.1: 17 of 1,210,455 alleles (0.0014%); highest among the groups gnomAD compares: Non-Finnish European, 0.00022%; no homozygotes.

Submissions (2):

Labcorp Genetics (formerly Invitae), Labcorp
Classification: Uncertain significance for Oto-palato-digital syndrome, type II; Heterotopia, periventricular, X-linked dominant; Frontometaphyseal dysplasia; Melnick-Needles syndrome. Last evaluated: 2025-12-22. Review status: criteria provided, single submitter. Criteria: Invitae Variant Classification Sherloc (09022015). Collection method: clinical testing. Allele origin: germline.
Comment: This sequence change falls in intron 36 of the FLNA gene. It does not directly change the encoded amino acid sequence of the FLNA protein. It affects a nucleotide within the consensus splice site. This variant is present in population databases (rs782617989, gnomAD 0.01%). This variant has not been reported in the literature in individuals affected with FLNA-related conditions. ClinVar contains an entry for this variant (Variation ID: 636334). Variants that disrupt the consensus splice site are a relatively common cause of aberrant splicing (PMID: 17576681, 9536098). Algorithms developed to predict the effect of sequence changes on RNA splicing suggest that this variant is not likely to affect RNA splicing. In summary, the available evidence is currently insufficient to determine the role of this variant in disease. Therefore, it has been classified as a Variant of Uncertain Significance.

Blueprint Genetics
Classification: Likely benign. Last evaluated: 2023-01-13. Review status: criteria provided, single submitter. Criteria: ACMG Guidelines, 2015. Collection method: clinical testing. Allele origin: germline.

Literature cited by the submitters: PubMed 17576681 (cited by Labcorp Genetics (formerly Invitae), Labcorp); PubMed 9536098 (cited by Labcorp Genetics (formerly Invitae), Labcorp).

NM_001110556.2(FLNA):c.6022+3A>G

Gene: FLNA (filamin A; minus strand). Cytogenetic location: Xq28.
Variant type: single nucleotide variant.
Coding change: c.6022+3A>G on transcript NM_001110556.2 (MANE Select); 3 bases into the intron after coding-DNA position 6022, A replaced by G.
Molecular consequence: intron variant.
Genome position (GRCh38, 1-based): chrX:154,353,293, T>C on the plus strand (A>G on the coding strand, the complement: FLNA is on the minus strand). VCF-style: chrX-154353293-T-C. GRCh37 (hg19) VCF-style: chrX-153581661-T-C.
Other names: c.5998+3A>G (NM_001456.4).
Identifiers: ClinVar variation 636334 (VCV000636334.3), dbSNP rs782617989, ClinGen allele CA10560186.